The following is an entry in ClinVar:

NM_000053.4(ATP7B):c.2905C>T (p.Arg969Trp)

Gene: ATP7B (ATPase copper transporting beta; minus strand). Cytogenetic location: 13q14.3.
Variant type: single nucleotide variant.
Coding change: c.2905C>T on transcript NM_000053.4 (MANE Select); coding-DNA position 2905, C replaced by T.
Protein change: p.Arg969Trp; replaces arginine 969 with tryptophan.
Molecular consequence: missense variant.
Genome position (GRCh38, 1-based): chr13:51,946,439, G>A on the plus strand (C>T on the coding strand, the complement: ATP7B is on the minus strand). VCF-style: chr13-51946439-G-A. GRCh37 (hg19) VCF-style: chr13-52520575-G-A.
Other names: c.2284C>T, p.Arg762Trp (NM_001005918.3); c.2572C>T, p.Arg858Trp (NM_001243182.2); c.2671C>T, p.Arg891Trp (NM_001330578.2); c.2653C>T, p.Arg885Trp (NM_001330579.2); short protein forms R969W, R885W, R762W, R858W, R891W.
Identifiers: ClinVar variation 381534 (VCV000381534.20), dbSNP rs774028495, ClinGen allele CA6988868.

ClinVar aggregate classification (germline): Conflicting classifications of pathogenicity. Review status: criteria provided, conflicting classifications (1 of 4 stars). 8 submissions from 8 submitters: Likely pathogenic (5); Uncertain significance (2). 1 of the submissions does not count toward it. Last evaluated 2025-08-29.

Conditions:
Wilson disease (WND). Also called: Wilson's disease. Identifiers: Orphanet 905, MedGen C0019202, MONDO:0010200, OMIM 277900. Disease mechanism: loss of function.

Allele frequency attached by ClinVar (database versions not stated): gnomAD 0.00001; TOPMed 0.00002; ExAC 0.00004; gnomAD exomes 0.00004.

Submissions (8):

Natera, Inc.
Classification: Likely pathogenic for Wilson disease. Last evaluated: 2025-08-29. Review status: criteria provided, single submitter. Criteria: Natera Variant Classification Schema (03/2026). Collection method: clinical testing. Allele origin: germline.
Comment: The c.2905C>T variant in ATP7B is a missense variant predicted to cause substitution of arginine to tryptophan at amino acid 969. This variant is rare in the general population with a frequency below the threshold expected for the associated phenotype(s). This variant has been observed in one or more individuals affected with the associated recessive disease, as either homozygous or compound heterozygous with a second variant (PMID: 35220961, 39933775). A different variant at the same position has been determined to be Pathogenic or Likely Pathogenic. Computational prediction algorithms indicate this variant is likely to affect gene or protein function. Given the available evidence, this variant is classified as Likely Pathogenic.

Color Diagnostics, LLC DBA Color Health
Classification: Uncertain significance for Wilson disease. Last evaluated: 2025-06-05. Review status: criteria provided, single submitter. Criteria: ACMG Guidelines, 2015. Collection method: clinical testing. Allele origin: germline.
Comment: This missense variant replaces arginine with tryptophan at codon 969 of the ATP7B protein. Computational prediction suggests that this variant may have deleterious impact on protein structure and function. To our knowledge, functional studies have not been reported for this variant. It has also been reported be heterozygous in individuals affected with Wilson disease (PMID: 17949296, 27022412, 34470610, 36253962). One of these probands was homozygous for a known pathogenic variant p.Pro992Leu in the same gene (PMID: 36253962). This variant has been identified in 12/280866 chromosomes in the general population by the Genome Aggregation Database (gnomAD). A different variant occurring at the same codon, p.Arg969Gln, is a well documented pathogenic mutation (ClinVar Variation ID: 3860), indicating that arginine at this position is important for ATP7B protein function. The available evidence is insufficient to determine the role of this variant in disease conclusively. Therefore, this variant is classified as a Variant of Uncertain Significance.

Labcorp Genetics (formerly Invitae), Labcorp
Classification: Likely pathogenic for Wilson disease. Last evaluated: 2025-01-22. Review status: criteria provided, single submitter. Criteria: Invitae Variant Classification Sherloc (09022015). Collection method: clinical testing. Allele origin: germline.
Comment: This sequence change replaces arginine, which is basic and polar, with tryptophan, which is neutral and slightly polar, at codon 969 of the ATP7B protein (p.Arg969Trp). This variant is present in population databases (rs774028495, gnomAD 0.01%). This missense change has been observed in individual(s) with Wilson disease (PMID: 17949296, 27022412, 34470610, 35220961). ClinVar contains an entry for this variant (Variation ID: 381534). Invitae Evidence Modeling of protein sequence and biophysical properties (such as structural, functional, and spatial information, amino acid conservation, physicochemical variation, residue mobility, and thermodynamic stability) indicates that this missense variant is expected to disrupt ATP7B protein function with a positive predictive value of 80%. This variant disrupts the p.Arg969 amino acid residue in ATP7B. Other variant(s) that disrupt this residue have been determined to be pathogenic (PMID: 8533760, 15523622). This suggests that this residue is clinically significant, and that variants that disrupt this residue are likely to be disease-causing. In summary, the currently available evidence indicates that the variant is pathogenic, but additional data are needed to prove that conclusively. Therefore, this variant has been classified as Likely Pathogenic.

Fulgent Genetics
Classification: Likely pathogenic for Wilson disease. Last evaluated: 2024-06-14. Review status: criteria provided, single submitter. Criteria: ACMG Guidelines, 2015. Collection method: clinical testing. Allele origin: germline.

All of Us Research Program, National Institutes of Health
Classification: Uncertain significance for Wilson disease. Last evaluated: 2024-04-17. Review status: criteria provided, single submitter. Criteria: ACMG Guidelines, 2015. Collection method: clinical testing. Allele origin: germline. Inheritance: Autosomal recessive inheritance. Observed: 5 variant alleles, 5 heterozygotes.
Comment: This missense variant replaces arginine with tryptophan at codon 969 of the ATP7B protein. Computational prediction suggests that this variant may have deleterious impact on protein structure and function (internally defined REVEL score threshold >= 0.7, PMID: 27666373). To our knowledge, functional studies have not been reported for this variant. This variant has been reported in individuals affected with Wilson disease (PMID: 17949296, 27022412, 34470610). This variant has been identified in 12/280866 chromosomes in the general population by the Genome Aggregation Database (gnomAD). A different variant occurring at the same codon, p.Arg969Gln, is a well documented pathogenic mutation (ClinVar Variation ID: 3860), indicating that arginine at this position is important for ATP7B protein function. The available evidence is insufficient to determine the role of this variant in disease conclusively. Therefore, this variant is classified as a Variant of Uncertain Significance.

This study involves interpretation of variants in research participants for the purpose of population health screening. Participant phenotype was not available at the time of variant classification. Additional details can be found in publication PMID: 35346344, PMCID: PMC8962531

Women's Health and Genetics/Laboratory Corporation of America, LabCorp
Classification: Likely pathogenic for Wilson disease. Last evaluated: 2018-07-23. Review status: criteria provided, single submitter. Criteria: LabCorp Variant Classification Summary - May 2015. Collection method: clinical testing. Allele origin: germline.
Comment: Variant summary: ATP7B c.2905C>T (p.Arg969Trp) results in a non-conservative amino acid change located in the Transmembrane 6 domain of the encoded protein sequence. Five of five in-silico tools predict a damaging effect of the variant on protein function. The variant allele was found at a frequency of 4.3e-05 in 277302 control chromosomes (gnomAD). This frequency is not significantly higher than expected for a pathogenic variant in ATP7B causing Wilson Disease (4.3e-05 vs 5.40e-03), allowing no conclusion about variant significance. The variant, c.2905C>T, has been reported in the literature in individuals affected with Wilson Disease with limited information (ie, lack of genotypic information, co-occurrence and/or cosegregation)(Dong_2016, Lepori_2007, Li_2013). These report(s) do not provide unequivocal conclusions about association of the variant with Wilson Disease. To our knowledge, no experimental evidence demonstrating an impact on protein function has been reported. However, reputable databases (Alberta University) and a ClinVar submission from a clinical diagnostic laboratory (evaluation after 2014) cite the variant as "likely pathogenic/pathogenic". In addition, another variant affecting the same codon, Arg969Gln, has been reported in affected individuals and classified as pathogenic indicating that the location may be a hotspot. Based on the evidence outlined above, the variant was classified as likely pathogenic.

GeneDx
Classification: Likely pathogenic. Last evaluated: 2018-04-13. Review status: criteria provided, single submitter. Criteria: GeneDx Variant Classification (06012015). Collection method: clinical testing. Allele origin: germline. Affected: yes.
Comment: The R969W missense variant has been reported previously in patients with Wilson disease (Lepori et al. 2007; Dong et al. 2016). The R969W variant is not observed at a significant frequency in large population cohorts (Lek et al., 2016). The R969W variant is a non-conservative amino acid substitution, which is likely to impact secondary protein structure as these residues differ in polarity, charge, size and/or other properties. In-silico analyses, including protein predictors and evolutionary conservation, support a deleterious effect. A missense variants in the same residue (R969Q) has been reported in the Human Gene Mutation Database in association with Wilson disease (Stenson et al., 2014), supporting the functional importance of this region of the protein. In summary, we interpret R969W to be a likely pathogenic variant.

Counsyl
Classification: Uncertain significance for Wilson disease. Last evaluated: 2019-01-24. Review status: no assertion criteria provided. Collection method: clinical testing. Allele origin: unknown. Not counted in ClinVar's aggregate classification.

Literature cited by the submitters: PubMed 35220961 (cited by Natera, Inc. and Labcorp Genetics (formerly Invitae), Labcorp); PubMed 39933775 (cited by Natera, Inc. and Color Diagnostics, LLC DBA Color Health); PubMed 17949296 (cited by 5 submitters); PubMed 27022412 (cited by 5 submitters); PubMed 34470610 (cited by 3 submitters); PubMed 36253962 (cited by Color Diagnostics, LLC DBA Color Health); PubMed 8533760 (cited by Labcorp Genetics (formerly Invitae), Labcorp); PubMed 15523622 (cited by Labcorp Genetics (formerly Invitae), Labcorp); PubMed 23235335 (cited by Women's Health and Genetics/Laboratory Corporation of America, LabCorp); PubMed 24253677 (cited by Counsyl); PubMed 22692182 (cited by Counsyl).